The following is an entry in ClinVar:

NM_018714.3(COG1):c.565A>G (p.Thr189Ala)

Gene: COG1 (component of oligomeric golgi complex 1; plus strand). Cytogenetic location: 17q25.1.
Variant type: single nucleotide variant.
Coding change: c.565A>G on transcript NM_018714.3 (MANE Select); coding-DNA position 565, A replaced by G.
Protein change: p.Thr189Ala; replaces threonine 189 with alanine.
Molecular consequence: missense variant.
Genome position (GRCh38, 1-based): chr17:73,196,904, A>G. VCF-style: chr17-73196904-A-G. GRCh37 (hg19) VCF-style: chr17-71193043-A-G.
Other names: c.565A>G (NM_018714.2); short protein forms T189A.
Identifiers: ClinVar variation 1385347 (VCV001385347.6), dbSNP rs193248551, ClinGen allele CA8740017.

ClinVar aggregate classification (germline): Uncertain significance. Review status: criteria provided, multiple submitters, no conflicts (2 of 4 stars). 2 submissions from 2 submitters: Uncertain significance (2). Last evaluated 2024-03-31.

Conditions:
Inborn genetic diseases. Identifiers: MedGen C0950123, MeSH D030342.
COG1 congenital disorder of glycosylation (CDG2G). Also called: CONGENITAL DISORDER OF GLYCOSYLATION, TYPE IIg; CDG IIg; CDGII/COG1 CEREBROCOSTOMANDIBULAR-LIKE SYNDROME. Identifiers: Orphanet 263508, MedGen C2931011, MONDO:0012637, OMIM 611209.

Allele frequency attached by ClinVar (database versions not stated): ESP Exome Variant Server 0.00008; 1000 Genomes Project 30x 0.00016; 1000 Genomes Project 0.00020.
gnomAD v4.1: 98 of 1,614,192 alleles (0.0061%); highest among the groups gnomAD compares: South Asian, 0.026%; no homozygotes.

Submissions (2):

Ambry Genetics
Classification: Uncertain significance for Inborn genetic diseases. Last evaluated: 2024-03-31. Review status: criteria provided, single submitter. Criteria: Ambry Variant Classification Scheme 2023. Collection method: clinical testing. Allele origin: germline.

Labcorp Genetics (formerly Invitae), Labcorp
Classification: Uncertain significance for COG1 congenital disorder of glycosylation. Last evaluated: 2022-09-19. Review status: criteria provided, single submitter. Criteria: Invitae Variant Classification Sherloc (09022015). Collection method: clinical testing. Allele origin: germline.
Comment: This sequence change replaces threonine, which is neutral and polar, with alanine, which is neutral and non-polar, at codon 189 of the COG1 protein (p.Thr189Ala). This variant is present in population databases (rs193248551, gnomAD 0.02%). This variant has not been reported in the literature in individuals affected with COG1-related conditions. ClinVar contains an entry for this variant (Variation ID: 1385347). Advanced modeling of protein sequence and biophysical properties (such as structural, functional, and spatial information, amino acid conservation, physicochemical variation, residue mobility, and thermodynamic stability) performed at Invitae indicates that this missense variant is not expected to disrupt COG1 protein function. Algorithms developed to predict the effect of sequence changes on RNA splicing suggest that this variant may create or strengthen a splice site. In summary, the available evidence is currently insufficient to determine the role of this variant in disease. Therefore, it has been classified as a Variant of Uncertain Significance.